The following is an entry in ClinVar:

ClinVar aggregate classification (germline): Benign/Likely benign. Review status: criteria provided, multiple submitters, no conflicts (2 of 4 stars). 3 submissions from 3 submitters: Benign (1); Likely benign (2). Last evaluated 2026-01-26.

Conditions:
Hereditary cancer-predisposing syndrome. Also called: Neoplastic Syndromes, Hereditary; Hereditary Cancer Syndrome; Tumor predisposition; Hereditary neoplastic syndrome. Identifiers: Orphanet 140162, MedGen C0027672, MeSH D009386, MONDO:0015356.
Oligodontia-cancer predisposition syndrome. Also called: TOOTH AGENESIS-COLORECTAL CANCER SYNDROME. Identifiers: Orphanet 300576, MedGen C1837750, MONDO:0012075, OMIM 608615. Disease mechanism: loss of function.

Allele frequency attached by ClinVar (database versions not stated): gnomAD exomes below 0.00001; TOPMed below 0.00001; gnomAD 0.00001.
gnomAD v4.1: 3 of 1,570,166 alleles (0.00019%); highest among the groups gnomAD compares: African/African-American, 0.0014%; no homozygotes.

Submissions (3):

Labcorp Genetics (formerly Invitae), Labcorp
Classification: Likely benign for Oligodontia-cancer predisposition syndrome. Last evaluated: 2026-01-26. Review status: criteria provided, single submitter. Criteria: Invitae Variant Classification Sherloc (09022015). Collection method: clinical testing. Allele origin: germline.

Myriad Genetics, Inc.
Classification: Benign for Oligodontia-cancer predisposition syndrome. Last evaluated: 2024-07-02. Review status: criteria provided, single submitter. Criteria: Myriad Autosomal Dominant, Autosomal Recessive and X-Linked Classification Criteria (2023). Collection method: clinical testing. Allele origin: unknown.
Comment: This variant is considered benign. This variant is a silent/synonymous amino acid change and it is not expected to impact splicing.

Ambry Genetics
Classification: Likely benign for Hereditary cancer-predisposing syndrome. Last evaluated: 2021-08-19. Review status: criteria provided, single submitter. Criteria: Ambry Variant Classification Scheme 2023. Collection method: clinical testing. Allele origin: germline.

NM_004655.4(AXIN2):c.1218C>T (p.Gly406=)

Gene: AXIN2 (axin 2; minus strand). Cytogenetic location: 17q24.1.
Variant type: single nucleotide variant.
Coding change: c.1218C>T on transcript NM_004655.4 (MANE Select); coding-DNA position 1218, C replaced by T.
Protein change: p.Gly406=; no amino-acid change (glycine 406 retained).
Molecular consequence: synonymous variant.
Genome position (GRCh38, 1-based): chr17:65,537,818, G>A on the plus strand (C>T on the coding strand, the complement: AXIN2 is on the minus strand). VCF-style: chr17-65537818-G-A. GRCh37 (hg19) VCF-style: chr17-63533936-G-A.
Other names: c.1218C>T, p.Gly406= (NM_001363813.1).
Identifiers: ClinVar variation 1133745 (VCV001133745.12), dbSNP rs1264541488, ClinGen allele CA501691389.